The following is an entry in ClinVar:

NM_004006.3(DMD):c.5660A>G (p.Asp1887Gly)

Gene: DMD (dystrophin; minus strand). Cytogenetic location: Xp21.1.
Variant type: single nucleotide variant.
Coding change: c.5660A>G on transcript NM_004006.3 (MANE Select); coding-DNA position 5660, A replaced by G.
Protein change: p.Asp1887Gly; replaces aspartic acid 1887 with glycine.
Molecular consequence: missense variant.
Genome position (GRCh38, 1-based): chrX:32,343,213, T>C on the plus strand (A>G on the coding strand, the complement: DMD is on the minus strand). VCF-style: chrX-32343213-T-C. GRCh37 (hg19) VCF-style: chrX-32361330-T-C.
Other names: p.Asp1887Gly; c.5636A>G, p.Asp1879Gly (NM_000109.4); c.5648A>G, p.Asp1883Gly (NM_004009.3); c.5291A>G, p.Asp1764Gly (NM_004010.3); c.1637A>G, p.Asp546Gly (NM_004011.4); c.1628A>G, p.Asp543Gly (NM_004012.4); short protein forms D1887G, D1764G, D1879G, D1883G, D543G, D546G.
Identifiers: ClinVar variation 965286 (VCV000965286.12), dbSNP rs1239878805, ClinGen allele CA412665984.

ClinVar aggregate classification (germline): Conflicting classifications of pathogenicity. Review status: criteria provided, conflicting classifications (1 of 4 stars). 4 submissions from 4 submitters: Uncertain significance (2); Likely benign (1). 1 of the submissions does not count toward it. Last evaluated 2025-06-09.

Conditions:
Cardiovascular phenotype. Identifiers: MedGen CN230736.
Duchenne muscular dystrophy (DMD). Also called: MUSCULAR DYSTROPHY, PSEUDOHYPERTROPHIC PROGRESSIVE, DUCHENNE TYPE; Duchenne Muscular Dystrophy (DMD). Identifiers: Orphanet 98896, MedGen C0013264, MONDO:0010679, OMIM 310200.
Dystrophin deficiency.
Becker muscular dystrophy (BMD). Also called: MUSCULAR DYSTROPHY, PSEUDOHYPERTROPHIC PROGRESSIVE, BECKER TYPE; Becker Muscular Dystrophy (BMD). Identifiers: Orphanet 98895, MedGen C0917713, MONDO:0010311, OMIM 300376.
Cardiomyopathy (CMYO). Also called: Cardiomyopathies. Identifiers: Orphanet 167848, MedGen C0878544, MONDO:0004994, HP:0001638. Inheritance: Various modes of inheritance.

Allele frequency attached by ClinVar (database versions not stated): gnomAD exomes below 0.00001; gnomAD 0.00001; TOPMed 0.00001.
gnomAD v4.1: 4 of 1,206,921 alleles (0.00033%); highest among the groups gnomAD compares: Non-Finnish European, 0.00045%; no homozygotes.

Submissions (4):

Mayo Clinic Laboratories, Mayo Clinic
Classification: Uncertain significance. Last evaluated: 2025-06-09. Review status: criteria provided, single submitter. Criteria: ACMG Guidelines, 2015. Collection method: clinical testing. Allele origin: germline. Observed: 1 variant allele.
Comment: BP4_moderate

Labcorp Genetics (formerly Invitae), Labcorp
Classification: Uncertain significance for Duchenne muscular dystrophy. Last evaluated: 2025-01-10. Review status: criteria provided, single submitter. Criteria: Invitae Variant Classification Sherloc (09022015). Collection method: clinical testing. Allele origin: germline.
Comment: This sequence change replaces aspartic acid, which is acidic and polar, with glycine, which is neutral and non-polar, at codon 1887 of the DMD protein (p.Asp1887Gly). This variant is not present in population databases (gnomAD no frequency). This variant has not been reported in the literature in individuals affected with DMD-related conditions. ClinVar contains an entry for this variant (Variation ID: 965286). Invitae Evidence Modeling of protein sequence and biophysical properties (such as structural, functional, and spatial information, amino acid conservation, physicochemical variation, residue mobility, and thermodynamic stability) indicates that this missense variant is not expected to disrupt DMD protein function with a negative predictive value of 95%. In summary, the available evidence is currently insufficient to determine the role of this variant in disease. Therefore, it has been classified as a Variant of Uncertain Significance.

Ambry Genetics
Classification: Likely benign for Cardiovascular phenotype. Last evaluated: 2024-08-15. Review status: criteria provided, single submitter. Criteria: Ambry Variant Classification Scheme 2023. Collection method: clinical testing. Allele origin: germline.

Natera, Inc.
Classification: Uncertain significance for Becker muscular dystrophy; Cardiomyopathy; Duchenne muscular dystrophy; Dystrophin deficiency. Last evaluated: 2018-09-29. Review status: no assertion criteria provided. Collection method: clinical testing. Allele origin: germline. Not counted in ClinVar's aggregate classification.